The following is an entry in ClinVar:

NM_024426.6(WT1):c.1069G>A (p.Ala357Thr)

Gene: WT1 (WT1 transcription factor; minus strand). Cytogenetic location: 11p13.
Variant type: single nucleotide variant.
Coding change: c.1069G>A on transcript NM_024426.6 (MANE Select); coding-DNA position 1069, G replaced by A.
Protein change: p.Ala357Thr; replaces alanine 357 with threonine.
Molecular consequence: missense variant. On other transcripts: 5 prime UTR variant (1), non-coding transcript variant (2).
Genome position (GRCh38, 1-based): chr11:32,399,992, C>T on the plus strand (G>A on the coding strand, the complement: WT1 is on the minus strand). VCF-style: chr11-32399992-C-T. GRCh37 (hg19) VCF-style: chr11-32421538-C-T.
Other names: c.1054G>A (NM_024426.4); c.1018G>A, p.Ala340Thr (NM_000378.6, NM_001407045.1, NM_001407048.1 and 1 more transcripts); c.418G>A, p.Ala140Thr (NM_001198551.2); c.367G>A, p.Ala123Thr (NM_001198552.2); c.-120G>A (NM_001367854.1); c.1063G>A, p.Ala355Thr (NM_001407044.1); c.1069G>A, p.Ala357Thr (NM_001407046.1, NM_024424.5); c.946G>A, p.Ala316Thr (NM_001407047.1); and 3 more; short protein forms A140T, A335T, A355T, A357T, A316T, A340T, A103T, A123T.
Identifiers: ClinVar variation 2924988 (VCV002924988.5), dbSNP rs1362066206, ClinGen allele CA379960387.

ClinVar aggregate classification (germline): Uncertain significance. Review status: criteria provided, multiple submitters, no conflicts (2 of 4 stars). 3 submissions from 3 submitters: Uncertain significance (3). Last evaluated 2025-01-25.

Conditions:
Wilms tumor 1 (WT1). Also called: Wilms tumor, somatic. Identifiers: Orphanet 654, MedGen CN033288, MONDO:0008679, OMIM 194070.
Drash syndrome (DDS). Also called: NEPHROPATHY, WILMS TUMOR, AND GENITAL ANOMALIES; WILMS TUMOR AND PSEUDO- OR TRUE HERMAPHRODITISM. Identifiers: Orphanet 220, MedGen C0950121, MONDO:0008682, OMIM 194080.
Frasier syndrome. Identifiers: Orphanet 347, MedGen C0950122, MeSH D052159, MONDO:0007635, OMIM 136680.
11p partial monosomy syndrome (WAGR). Also called: CHROMOSOME 11p13 DELETION SYNDROME; WAGR Spectrum Disorder; WAGR syndrome; WAGR Complex. Identifiers: Orphanet 893, MedGen C0206115, MONDO:0008681, OMIM 194072.
Inborn genetic diseases. Identifiers: MedGen C0950123, MeSH D030342.

Submissions (3):

Ambry Genetics
Classification: Uncertain significance for Inborn genetic diseases. Last evaluated: 2025-01-25. Review status: criteria provided, single submitter. Criteria: Ambry Variant Classification Scheme 2023. Collection method: clinical testing. Allele origin: germline.
Comment: The p.A352T variant (also known as c.1054G>A), located in coding exon 6 of the WT1 gene, results from a G to A substitution at nucleotide position 1054. The alanine at codon 352 is replaced by threonine, an amino acid with similar properties. This amino acid position is conserved. In addition, this alteration is predicted to be tolerated by in silico analysis. Based on the available evidence, the clinical significance of this variant remains unclear.

All of Us Research Program, National Institutes of Health
Classification: Uncertain significance for Wilms tumor 1. Last evaluated: 2024-08-06. Review status: criteria provided, single submitter. Criteria: ACMG Guidelines, 2015. Collection method: clinical testing. Allele origin: germline. Inheritance: Autosomal dominant inheritance. Observed: 1 variant allele, 1 heterozygote.
Comment: This study involves interpretation of variants in research participants for the purpose of population health screening. Participant phenotype was not available at the time of variant classification. Additional details can be found in publication PMID: 35346344, PMCID: PMC8962531

Labcorp Genetics (formerly Invitae), Labcorp
Classification: Uncertain significance for Wilms tumor 1; Drash syndrome; 11p partial monosomy syndrome; Frasier syndrome. Last evaluated: 2023-01-06. Review status: criteria provided, single submitter. Criteria: Invitae Variant Classification Sherloc (09022015). Collection method: clinical testing. Allele origin: germline.
Comment: This sequence change replaces alanine, which is neutral and non-polar, with threonine, which is neutral and polar, at codon 352 of the WT1 protein (p.Ala352Thr). This variant is not present in population databases (gnomAD no frequency). In summary, the available evidence is currently insufficient to determine the role of this variant in disease. Therefore, it has been classified as a Variant of Uncertain Significance. Algorithms developed to predict the effect of missense changes on protein structure and function (SIFT, PolyPhen-2, Align-GVGD) all suggest that this variant is likely to be tolerated. This variant has not been reported in the literature in individuals affected with WT1-related conditions.